The following is an entry in ClinVar:

ClinVar aggregate classification (germline): Likely benign (1 of 4 stars; one submission).

Conditions:
LIPE-related disorder. Also called: LIPE-related condition.

gnomAD v4.1: 6 of 1,613,144 alleles (0.00037%); highest among the groups gnomAD compares: Middle Eastern, 0.016%; no homozygotes.

Submission:

PreventionGenetics, part of Exact Sciences
Classification: Likely benign for LIPE-related condition. Last evaluated: 2024-12-20. Review status: criteria provided, single submitter. Criteria: ACMG Guidelines, 2015. Collection method: clinical testing. Allele origin: germline.
Comment: This variant is classified as likely benign based on ACMG/AMP sequence variant interpretation guidelines (Richards et al. 2015 PMID: 25741868, with internal and published modifications).

NM_005357.4(LIPE):c.2676C>G (p.Pro892=)

Genes: LIPE (lipase E, hormone sensitive type; minus strand), LIPE-AS1 (LIPE antisense RNA 1; plus strand), LOC101930071 (uncharacterized LOC101930071; plus strand). Cytogenetic location: 19q13.2.
Variant type: single nucleotide variant.
Coding change: c.2676C>G on transcript NM_005357.4 (MANE Select); coding-DNA position 2676, C replaced by G.
Protein change: p.Pro892=; no amino-acid change (proline 892 retained).
Molecular consequence: synonymous variant.
Genome position (GRCh38, 1-based): chr19:42,402,898, G>C on the plus strand (C>G on the coding strand, the complement: LIPE is on the minus strand). VCF-style: chr19-42402898-G-C. GRCh37 (hg19) VCF-style: chr19-42907050-G-C.
Other names: c.1926C>G, p.Pro642= (NM_001416100.1); c.1911C>G, p.Pro637= (NM_001416101.1); c.1806C>G, p.Pro602= (NM_001416102.1); c.1773C>G, p.Pro591= (NM_001416103.1, NM_001416104.1); c.1683C>G, p.Pro561= (NM_001416105.1); c.1578C>G, p.Pro526= (NM_001416106.1); c.1089C>G, p.Pro363= (NM_001416107.1); c.1035C>G, p.Pro345= (NM_001416108.1).
Identifiers: ClinVar variation 4981094 (VCV004981094.1).